The following is an entry in ClinVar:

ClinVar aggregate classification (germline): Conflicting classifications of pathogenicity. Review status: criteria provided, conflicting classifications (1 of 4 stars). 2 submissions from 2 submitters: Likely pathogenic (1); Uncertain significance (1). Last evaluated 2025-09-19.

Conditions:
Aortic aneurysm, familial thoracic 6 (AAT6). Also called: FAMILIAL THORACIC AORTIC ANEURYSM WITH LIVEDO RETICULARIS AND IRIS FLOCCULI. Identifiers: MedGen C2673186, MONDO:0012730, OMIM 611788.

Submissions (2):

Labcorp Genetics (formerly Invitae), Labcorp
Classification: Uncertain significance for Aortic aneurysm, familial thoracic 6. Last evaluated: 2025-09-19. Review status: criteria provided, single submitter. Criteria: Invitae Variant Classification Sherloc (09022015). Collection method: clinical testing. Allele origin: germline.
Comment: This sequence change replaces tyrosine, which is neutral and polar, with cysteine, which is neutral and slightly polar, at codon 135 of the ACTA2 protein (p.Tyr135Cys). This variant is not present in population databases (gnomAD no frequency). This missense change has been observed in individual(s) with thoracic aortic aneurysm and dissection (internal data). It has also been observed to segregate with disease in related individuals. ClinVar contains an entry for this variant (Variation ID: 1057228). Invitae Evidence Modeling of protein sequence and biophysical properties (such as structural, functional, and spatial information, amino acid conservation, physicochemical variation, residue mobility, and thermodynamic stability) indicates that this missense variant is not expected to disrupt ACTA2 protein function with a negative predictive value of 80%. This variant disrupts the p.Tyr135 amino acid residue in ACTA2. Other variant(s) that disrupt this residue have been observed in individuals with ACTA2-related conditions (PMID: 17994018), which suggests that this may be a clinically significant amino acid residue. In summary, the available evidence is currently insufficient to determine the role of this variant in disease. Therefore, it has been classified as a Variant of Uncertain Significance.

Institute of Human Genetics, Cologne University
Classification: Likely pathogenic for Aortic aneurysm, familial thoracic 6. Last evaluated: 2024-03-14. Review status: criteria provided, single submitter. Criteria: ACMG Guidelines, 2015. Collection method: clinical testing. Allele origin: germline. Affected: yes.

Literature cited by the submitters: PubMed 17994018 (cited by Labcorp Genetics (formerly Invitae), Labcorp).

NM_001613.4(ACTA2):c.404A>G (p.Tyr135Cys)

Gene: ACTA2 (actin alpha 2, smooth muscle; minus strand). Cytogenetic location: 10q23.31.
Variant type: single nucleotide variant.
Coding change: c.404A>G on transcript NM_001613.4 (MANE Select); coding-DNA position 404, A replaced by G.
Protein change: p.Tyr135Cys; replaces tyrosine 135 with cysteine.
Molecular consequence: missense variant.
Genome position (GRCh38, 1-based): chr10:88,941,835, T>C on the plus strand (A>G on the coding strand, the complement: ACTA2 is on the minus strand). VCF-style: chr10-88941835-T-C. GRCh37 (hg19) VCF-style: chr10-90701592-T-C.
Other names: c.404A>G, p.Tyr135Cys (NM_001141945.3, NM_001320855.2, NM_001406462.1 and 3 more transcripts); c.293A>G, p.Tyr98Cys (NM_001406466.1); c.275A>G, p.Tyr92Cys (NM_001406467.1, NM_001406468.1, NM_001406469.1); short protein forms Y135C, Y98C, Y92C.
Identifiers: ClinVar variation 1057228 (VCV001057228.12), dbSNP rs2133256406, ClinGen allele CA377512499.